The following is an entry in ClinVar:

NM_001276270.2(MBD4):c.803G>C (p.Cys268Ser)

Gene: MBD4 (methyl-CpG binding domain 4, DNA glycosylase; minus strand). Cytogenetic location: 3q21.3.
Variant type: single nucleotide variant.
Coding change: c.803G>C on transcript NM_001276270.2 (MANE Select); coding-DNA position 803, G replaced by C.
Protein change: p.Cys268Ser; replaces cysteine 268 with serine.
Molecular consequence: missense variant. On other transcripts: intron variant (1).
Genome position (GRCh38, 1-based): chr3:129,436,841, C>G on the plus strand (G>C on the coding strand, the complement: MBD4 is on the minus strand). VCF-style: chr3-129436841-C-G. GRCh37 (hg19) VCF-style: chr3-129155684-C-G.
Other names: c.803G>C, p.Cys268Ser (NM_001276271.2, NM_001276272.2, NM_003925.3); c.247+967G>C (NM_001276273.2); short protein forms C268S.
Identifiers: ClinVar variation 3624660 (VCV003624660.3).

ClinVar aggregate classification (germline): Uncertain significance. Review status: criteria provided, multiple submitters, no conflicts (2 of 4 stars). 2 submissions from 2 submitters: Uncertain significance (2). Last evaluated 2025-11-13.

Conditions:
Inborn genetic diseases. Identifiers: MedGen C0950123, MeSH D030342.

Submissions (2):

Ambry Genetics
Classification: Uncertain significance for Inborn genetic diseases. Last evaluated: 2025-11-13. Review status: criteria provided, single submitter. Criteria: Ambry Variant Classification Scheme 2023. Collection method: clinical testing. Allele origin: germline.
Comment: The p.C268S variant (also known as c.803G>C), located in coding exon 3 of the MBD4 gene, results from a G to C substitution at nucleotide position 803. The cysteine at codon 268 is replaced by serine, an amino acid with dissimilar properties. This amino acid position is conserved. In addition, this alteration is predicted to be tolerated by in silico analysis. Based on the available evidence, the clinical significance of this variant remains unclear.

Labcorp Genetics (formerly Invitae), Labcorp
Classification: Uncertain significance. Last evaluated: 2024-11-22. Review status: criteria provided, single submitter. Criteria: Invitae Variant Classification Sherloc (09022015). Collection method: clinical testing. Allele origin: germline.
Comment: This sequence change replaces cysteine, which is neutral and slightly polar, with serine, which is neutral and polar, at codon 268 of the MBD4 protein (p.Cys268Ser). This variant is not present in population databases (gnomAD no frequency). This variant has not been reported in the literature in individuals affected with MBD4-related conditions. An algorithm developed to predict the effect of missense changes on protein structure and function outputs the following: PolyPhen-2: "Benign". The serine amino acid residue is found in multiple mammalian species, which suggests that this missense change does not adversely affect protein function. In summary, the available evidence is currently insufficient to determine the role of this variant in disease. Therefore, it has been classified as a Variant of Uncertain Significance.